The following is an entry in ClinVar:

NM_001277115.2(DNAH11):c.2128del (p.Ser710fs)

Gene: DNAH11 (dynein axonemal heavy chain 11; plus strand). Cytogenetic location: 7p15.3.
Variant type: Deletion.
Coding change: c.2128del on transcript NM_001277115.2 (MANE Select); coding-DNA position 2128, one base deleted (A; older notation c.2128delA).
Protein change: p.Ser710fs; shifts the reading frame from serine 710.
Molecular consequence: frameshift variant.
Genome position (GRCh38, 1-based): chr7:21,589,362, A deleted. VCF-style (leftmost placement, unchanged base first): chr7-21589361-CA-C. GRCh37 (hg19) VCF-style: chr7-21628979-CA-C.
Other names: short protein forms S710fs.
Identifiers: ClinVar variation 4849887 (VCV004849887.1).

ClinVar aggregate classification (germline): Likely pathogenic (1 of 4 stars; one submission).

Conditions:
Primary ciliary dyskinesia 7. Also called: CILIARY DYSKINESIA, PRIMARY, 7, WITH OR WITHOUT SITUS INVERSUS. Identifiers: Orphanet 244, MedGen C2678473, MONDO:0012748, OMIM 611884.

Submission:

The Research Institute of Tuberculosis, Japan Anti-Tuberculosis Association
Classification: Likely pathogenic for Primary ciliary dyskinesia 7. Last evaluated: 2026-04-19. Review status: criteria provided, single submitter. Criteria: ACMG Guidelines, 2015. Collection method: research. Allele origin: germline. Inheritance: Autosomal recessive inheritance. Affected: yes.
Comment: Classification determined through our internal review, with support from Franklin (Genoox) summaries integrated into the overall assessment. ACMG/AMP guidelines were applied for SNV/indel interpretation. Final classification: Likely pathogenic. This variant is a null variant (FRAMESHIFT) in a gene where loss of function is an established mechanism of disease, supporting PVS1. This variant is absent or present at extremely low frequency in population databases (gnomAD: exome 0; genome 0), supporting PM2. Evidence (ACMG/AMP codes): PVS1, PM2. These findings are consistent with primary ciliary dyskinesia.